The following is an entry in ClinVar:

ClinVar aggregate classification (germline): Uncertain significance (1 of 4 stars; one submission).

Conditions:
Inborn genetic diseases. Identifiers: MedGen C0950123, MeSH D030342.

Allele frequency attached by ClinVar (database versions not stated): gnomAD 0.00001; gnomAD exomes 0.00001; TOPMed 0.00002.
gnomAD v4.1: 22 of 1,613,860 alleles (0.0014%); highest among the groups gnomAD compares: Middle Eastern, 0.016%; no homozygotes.

Submission:

Ambry Genetics
Classification: Uncertain significance for Inborn genetic diseases. Last evaluated: 2022-09-25. Review status: criteria provided, single submitter. Criteria: Ambry Variant Classification Scheme 2023. Collection method: clinical testing. Allele origin: germline.
Comment: The c.1236+3A>G intronic alteration consists of a A to G substitution 3 nucleotides after exon 10 of the SCAF4 gene. Based on insufficient or conflicting evidence, the clinical significance of this alteration remains unclear.

NM_020706.2(SCAF4):c.1236+3A>G

Gene: SCAF4 (SR-related CTD associated factor 4; minus strand). Cytogenetic location: 21q22.11.
Variant type: single nucleotide variant.
Coding change: c.1236+3A>G on transcript NM_020706.2 (MANE Select); 3 bases into the intron after coding-DNA position 1236, A replaced by G.
Molecular consequence: intron variant.
Genome position (GRCh38, 1-based): chr21:31,694,810, T>C on the plus strand (A>G on the coding strand, the complement: SCAF4 is on the minus strand). VCF-style: chr21-31694810-T-C. GRCh37 (hg19) VCF-style: chr21-33067123-T-C.
Other names: c.1191+3A>G (NM_001145444.1); c.1236+3A>G (NM_001145445.1).
Identifiers: ClinVar variation 2308467 (VCV002308467.2), dbSNP rs1171796728, ClinGen allele CA637621131.